The following is an entry in ClinVar:

ClinVar aggregate classification (germline): Uncertain significance (1 of 4 stars; one submission).

Conditions:
Neuroblastoma, susceptibility to, 3. Also called: ALK-Related Neuroblastic Tumor Susceptibility. Identifiers: Orphanet 635, MedGen C2751681, MONDO:0013083, OMIM 613014.

Submission:

Labcorp Genetics (formerly Invitae), Labcorp
Classification: Uncertain significance for Neuroblastoma, susceptibility to, 3. Last evaluated: 2024-04-24. Review status: criteria provided, single submitter. Criteria: Invitae Variant Classification Sherloc (09022015). Collection method: clinical testing. Allele origin: germline.
Comment: This sequence change falls in intron 17 of the ALK gene. It does not directly change the encoded amino acid sequence of the ALK protein. This variant is not present in population databases (gnomAD no frequency). This variant has not been reported in the literature in individuals affected with ALK-related conditions. Algorithms developed to predict the effect of sequence changes on RNA splicing suggest that this variant may disrupt the consensus splice site. In summary, the available evidence is currently insufficient to determine the role of this variant in disease. Therefore, it has been classified as a Variant of Uncertain Significance.

NM_004304.5(ALK):c.2915-4C>G

Gene: ALK (ALK receptor tyrosine kinase; minus strand). Cytogenetic location: 2p23.2.
Variant type: single nucleotide variant.
Coding change: c.2915-4C>G on transcript NM_004304.5 (MANE Select); 4 bases into the intron before coding-DNA position 2915, C replaced by G.
Molecular consequence: intron variant.
Genome position (GRCh38, 1-based): chr2:29,227,078, G>C on the plus strand (C>G on the coding strand, the complement: ALK is on the minus strand). VCF-style: chr2-29227078-G-C. GRCh37 (hg19) VCF-style: chr2-29449944-G-C.
Identifiers: ClinVar variation 3650636 (VCV003650636.2).
Genomic context (GRCh38, chr2:29,227,078, plus strand): 5'-CACAGTGACTGCAGTTTAGATAATGCTTAATATTCACTTCCCCGTGGCCTTCCATCACTA[G>C]TGACAAGGAGGGAGGGTCAGTCTTGGGCCGAGCCTGCCTCCCCACTCCCAGCCTCAGTAC-3'